The following is an entry in ClinVar:

ClinVar aggregate classification (germline): Pathogenic/Likely pathogenic. Review status: criteria provided, multiple submitters, no conflicts (2 of 4 stars). 2 submissions from 2 submitters: Pathogenic (1); Likely pathogenic (1). Last evaluated 2025-10-24.

Conditions:
GRM6-related disorder. Also called: GRM6-related condition.

Allele frequency attached by ClinVar (database versions not stated): ExAC 0.00001; gnomAD exomes 0.00001.

Submissions (2):

PreventionGenetics, part of Exact Sciences
Classification: Likely pathogenic for GRM6-related condition. Last evaluated: 2025-10-24. Review status: criteria provided, single submitter. Criteria: ACMG Guidelines, 2015. Collection method: clinical testing. Allele origin: germline.
Comment: The GRM6 c.1478G>A variant is predicted to result in premature protein termination (p.Trp493*). This variant was identified in a worldwide carrier screen for inherited retinal diseases (Table S3, Hanany et al. 2020. PubMed ID: 31964843). To our knowledge, this variant has not been reported in the literature in individuals with congenital stationary night blindness. This variant is reported in 0.0058% of alleles in individuals of Latino descent in gnomAD. Nonsense variants in GRM6 are expected to be pathogenic. This variant is interpreted as likely pathogenic.

GeneDx
Classification: Pathogenic. Last evaluated: 2022-11-03. Review status: criteria provided, single submitter. Criteria: GeneDx Variant Classification Process June 2021. Collection method: clinical testing. Allele origin: germline. Affected: yes.
Comment: Nonsense variant predicted to result in protein truncation or nonsense mediated decay in a gene for which loss of function is a known mechanism of disease; Has not been previously published as pathogenic or benign to our knowledge

NM_000843.4(GRM6):c.1478G>A (p.Trp493Ter)

Genes: GRM6 (glutamate metabotropic receptor 6; minus strand), ZNF454 (zinc finger protein 454; plus strand). Cytogenetic location: 5q35.3.
Variant type: single nucleotide variant.
Coding change: c.1478G>A on transcript NM_000843.4 (MANE Select); coding-DNA position 1478, G replaced by A.
Protein change: p.Trp493Ter; replaces tryptophan 493 with a stop codon.
Molecular consequence: nonsense.
Genome position (GRCh38, 1-based): chr5:178,986,860, C>T on the plus strand (G>A on the coding strand, the complement: GRM6 is on the minus strand). VCF-style: chr5-178986860-C-T. GRCh37 (hg19) VCF-style: chr5-178413861-C-T.
Other names: short protein forms W493*.
Identifiers: ClinVar variation 2444850 (VCV002444850.3), dbSNP rs752205220, ClinGen allele CA3594041.
Genomic context (GRCh38, chr5:178,986,860, plus strand): 5'-GGGCCCATGCCCACCTGGGGCTCGGTCTGCACACTCACATCCAGTCTGAGGGTCTCTGCC[C>T]ACTGGCCCACTGCCTGGTACCCGCCACTGCTGGCACTGCCATTGGTCGCCTGGTACTGGA-3'